The following is an entry in ClinVar:

ClinVar aggregate classification (germline): Uncertain significance (1 of 4 stars; one submission).

Submission:

Labcorp Genetics (formerly Invitae), Labcorp
Classification: Uncertain significance. Last evaluated: 2022-11-15. Review status: criteria provided, single submitter. Criteria: Invitae Variant Classification Sherloc (09022015). Collection method: clinical testing. Allele origin: germline.
Comment: In summary, the available evidence is currently insufficient to determine the role of this variant in disease. Therefore, it has been classified as a Variant of Uncertain Significance. Algorithms developed to predict the effect of missense changes on protein structure and function are either unavailable or do not agree on the potential impact of this missense change (SIFT: "Deleterious"; PolyPhen-2: "Probably Damaging"; Align-GVGD: "Class C0"). This variant has not been reported in the literature in individuals affected with VAV1-related conditions. This variant is not present in population databases (gnomAD no frequency). This sequence change replaces glutamic acid, which is acidic and polar, with lysine, which is basic and polar, at codon 201 of the VAV1 protein (p.Glu201Lys).

NM_005428.4(VAV1):c.601G>A (p.Glu201Lys)

Gene: VAV1 (vav guanine nucleotide exchange factor 1; plus strand). Cytogenetic location: 19p13.3.
Variant type: single nucleotide variant.
Coding change: c.601G>A on transcript NM_005428.4 (MANE Select); coding-DNA position 601, G replaced by A.
Protein change: p.Glu201Lys; replaces glutamic acid 201 with lysine.
Molecular consequence: missense variant. On other transcripts: intron variant (1).
Genome position (GRCh38, 1-based): chr19:6,822,461, G>A. VCF-style: chr19-6822461-G-A. GRCh37 (hg19) VCF-style: chr19-6822472-G-A.
Other names: c.601G>A, p.Glu201Lys (NM_001258206.2); c.558+132G>A (NM_001258207.2); short protein forms E201K.
Identifiers: ClinVar variation 2814419 (VCV002814419.3), dbSNP rs2512359549, ClinGen allele CA403616269.